The following is an entry in ClinVar:

ClinVar aggregate classification (germline): Uncertain significance (1 of 4 stars; one submission).

Conditions:
Early-infantile DEE. Also called: Early infantile epileptic encephalopathy; Ohtahara syndrome; Early infantile epileptic encephalopathy with suppression bursts. Identifiers: Orphanet 1934, MedGen C0393706, MONDO:0800491.
Developmental and epileptic encephalopathy, 5 (DEE5). Identifiers: Orphanet 3451, MedGen C3150731, MONDO:0013277, OMIM 613477.

Submission:

Labcorp Genetics (formerly Invitae), Labcorp
Classification: Uncertain significance for Early-infantile DEE. Last evaluated: 2024-09-04. Review status: criteria provided, single submitter. Criteria: Invitae Variant Classification Sherloc (09022015). Collection method: clinical testing. Allele origin: germline.
Comment: This sequence change replaces serine, which is neutral and polar, with lysine, which is basic and polar, at codon 2423 of the SPTAN1 protein (p.Ser2423Lys). This variant is present in population databases (no rsID available, gnomAD 0.0004%). This variant has not been reported in the literature in individuals affected with SPTAN1-related conditions. ClinVar contains an entry for this variant (Variation ID: 942572). An algorithm developed to predict the effect of missense changes on protein structure and function (PolyPhen-2) suggests that this variant is likely to be tolerated. In summary, the available evidence is currently insufficient to determine the role of this variant in disease. Therefore, it has been classified as a Variant of Uncertain Significance.

NM_001130438.3(SPTAN1):c.7267_7268delinsAA (p.Ser2423Lys)

Gene: SPTAN1 (spectrin alpha, non-erythrocytic 1; plus strand). Cytogenetic location: 9q34.11.
Variant type: Indel.
Coding change: c.7267_7268delinsAA on transcript NM_001130438.3 (MANE Select); coding-DNA positions 7267 to 7268, TC replaced by AA.
Protein change: p.Ser2423Lys; replaces serine 2423 with lysine.
Molecular consequence: missense variant.
Genome position (GRCh38, 1-based): chr9:128,632,914-128,632,915, TC replaced by AA. VCF-style: chr9-128632914-TC-AA. GRCh37 (hg19) VCF-style: chr9-131395193-TC-AA.
Other names: c.7192_7193delinsAA, p.Ser2398Lys (NM_001195532.2); c.7330_7331delinsAA, p.Ser2444Lys (NM_001363759.2); c.7207_7208delinsAA, p.Ser2403Lys (NM_001363765.2, NM_001375314.2); c.7354_7355delinsAA, p.Ser2452Lys (NM_001375310.1); c.7267_7268delinsAA, p.Ser2423Lys (NM_001375311.2); c.7303_7304delinsAA, p.Ser2435Lys (NM_001375312.2); c.7249_7250delinsAA, p.Ser2417Lys (NM_001375313.1); c.7366_7367delinsAA, p.Ser2456Lys (NM_001375318.1); and 1 more; short protein forms S2417K, S2423K, S2452K, S2403K, S2435K, S2456K, S2398K, S2418K.
Identifiers: ClinVar variation 942572 (VCV000942572.12), dbSNP rs1860016560, ClinGen allele CA1139661230.